The following is an entry in ClinVar:

ClinVar aggregate classification (germline): Uncertain significance. Review status: criteria provided, multiple submitters, no conflicts (2 of 4 stars). 2 submissions from 2 submitters: Uncertain significance (2). Last evaluated 2026-01-05.

Conditions:
Inborn genetic diseases. Identifiers: MedGen C0950123, MeSH D030342.
Deficiency of malonyl-CoA decarboxylase. Also called: Malonic aciduria; MCD deficiency. Identifiers: Orphanet 943, MedGen C0342793, MONDO:0009556, OMIM 248360.

Allele frequency attached by ClinVar (database versions not stated): ExAC 0.00005; gnomAD exomes 0.00006 and 0.00009; TOPMed 0.00006; gnomAD 0.00009; ESP Exome Variant Server 0.00016.
gnomAD v4.1: 149 of 1,614,132 alleles (0.0092%); highest among the groups gnomAD compares: Admixed American, 0.015%; no homozygotes.

Submissions (2):

Labcorp Genetics (formerly Invitae), Labcorp
Classification: Uncertain significance for Deficiency of malonyl-CoA decarboxylase. Last evaluated: 2026-01-05. Review status: criteria provided, single submitter. Criteria: Invitae Variant Classification Sherloc (09022015). Collection method: clinical testing. Allele origin: germline.
Comment: This sequence change replaces arginine, which is basic and polar, with glycine, which is neutral and non-polar, at codon 235 of the MLYCD protein (p.Arg235Gly). This variant is present in population databases (rs369427189, gnomAD 0.02%). This variant has not been reported in the literature in individuals affected with MLYCD-related conditions. ClinVar contains an entry for this variant (Variation ID: 1034949). An algorithm developed to predict the effect of missense changes on protein structure and function (PolyPhen-2) suggests that this variant is likely to be disruptive. In summary, the available evidence is currently insufficient to determine the role of this variant in disease. Therefore, it has been classified as a Variant of Uncertain Significance.

Ambry Genetics
Classification: Uncertain significance for Inborn genetic diseases. Last evaluated: 2025-02-19. Review status: criteria provided, single submitter. Criteria: Ambry Variant Classification Scheme 2023. Collection method: clinical testing. Allele origin: germline.

NM_012213.3(MLYCD):c.703A>G (p.Arg235Gly)

Gene: MLYCD (malonyl-CoA decarboxylase; plus strand). Cytogenetic location: 16q23.3.
Variant type: single nucleotide variant.
Coding change: c.703A>G on transcript NM_012213.3 (MANE Select); coding-DNA position 703, A replaced by G.
Protein change: p.Arg235Gly; replaces arginine 235 with glycine.
Molecular consequence: missense variant.
Genome position (GRCh38, 1-based): chr16:83,908,187, A>G. VCF-style: chr16-83908187-A-G. GRCh37 (hg19) VCF-style: chr16-83941792-A-G.
Other names: c.703A>G (NM_012213.2); short protein forms R235G.
Identifiers: ClinVar variation 1034949 (VCV001034949.8), dbSNP rs369427189, ClinGen allele CA8197344.